The following is an entry in ClinVar:

ClinVar aggregate classification (germline): Likely benign (1 of 4 stars; one submission).

Submission:

Women's Health and Genetics/Laboratory Corporation of America, LabCorp
Classification: Likely benign. Last evaluated: 2023-02-14. Review status: criteria provided, single submitter. Criteria: LabCorp Variant Classification Summary - May 2015. Collection method: clinical testing. Allele origin: germline.
Comment: Variant summary: COL7A1 c.3411C>G alters a conserved nucleotide resulting in a synonymous change. 4/4 computational tools predict no significant impact on normal splicing. However, these predictions have yet to be confirmed by functional studies. The variant was absent in 251352 control chromosomes (gnomAD). The available data on variant occurrences in the general population are insufficient to allow any conclusion about variant significance. To our knowledge, no occurrence of c.3411C>G in individuals affected with Dystrophic Epidermolysis Bullosa, Recessive and no experimental evidence demonstrating its impact on protein function have been reported. No clinical diagnostic laboratories have submitted clinical-significance assessments for this variant to ClinVar after 2014. Based on the evidence outlined above, the variant was classified as likely benign.

NM_000094.4(COL7A1):c.3411C>G (p.Ala1137=)

Gene: COL7A1 (collagen type VII alpha 1 chain; minus strand). Cytogenetic location: 3p21.31.
Variant type: single nucleotide variant.
Coding change: c.3411C>G on transcript NM_000094.4 (MANE Select); coding-DNA position 3411, C replaced by G.
Protein change: p.Ala1137=; no amino-acid change (alanine 1137 retained).
Molecular consequence: synonymous variant.
Genome position (GRCh38, 1-based): chr3:48,586,471, G>C on the plus strand (C>G on the coding strand, the complement: COL7A1 is on the minus strand). VCF-style: chr3-48586471-G-C. GRCh37 (hg19) VCF-style: chr3-48623904-G-C.
Identifiers: ClinVar variation 2445829 (VCV002445829.1), dbSNP rs548139799, ClinGen allele CA433617330.